The following is an entry in ClinVar:

NM_001557.4(CXCR2):c.706C>T (p.Arg236Cys)

Gene: CXCR2 (C-X-C motif chemokine receptor 2; plus strand). Cytogenetic location: 2q35.
Variant type: single nucleotide variant.
Coding change: c.706C>T on transcript NM_001557.4 (MANE Select); coding-DNA position 706, C replaced by T.
Protein change: p.Arg236Cys; replaces arginine 236 with cysteine.
Molecular consequence: missense variant.
Genome position (GRCh38, 1-based): chr2:218,135,507, C>T. VCF-style: chr2-218135507-C-T. GRCh37 (hg19) VCF-style: chr2-219000230-C-T.
Other names: p.Arg236Cys; c.706C>T (NM_001168298.1); c.706C>T, p.Arg236Cys (NM_001168298.2); short protein forms R236C.
Identifiers: ClinVar variation 1132134 (VCV001132134.44), dbSNP rs10201766, ClinGen allele CA2101756.

ClinVar aggregate classification (germline): Likely benign. Review status: criteria provided, multiple submitters, no conflicts (2 of 4 stars). 4 submissions from 4 submitters: Likely benign (3). 1 of the submissions does not count toward it. Last evaluated 2026-09-01.

Conditions:
CXCR2-related disorder. Also called: CXCR2-related condition.

Allele frequency attached by ClinVar (database versions not stated): 1000 Genomes Project 30x 0.00031; 1000 Genomes Project 0.00040; ESP Exome Variant Server 0.00108; gnomAD 0.00109 and 0.00112.

Submissions (4):

CeGaT Center for Human Genetics Tuebingen
Classification: Likely benign. Last evaluated: 2026-09-01. Review status: criteria provided, single submitter. Criteria: CeGaT Center For Human Genetics Tuebingen Variant Classification Criteria Version 2. Collection method: clinical testing. Allele origin: germline. Affected: yes. Observed: 6 variant alleles.
Comment: CXCR2: BP4, BS1

Labcorp Genetics (formerly Invitae), Labcorp
Classification: Likely benign. Last evaluated: 2026-02-03. Review status: criteria provided, single submitter. Criteria: Invitae Variant Classification Sherloc (09022015). Collection method: clinical testing. Allele origin: germline.

Mayo Clinic Laboratories, Mayo Clinic
Classification: Likely benign. Last evaluated: 2025-07-16. Review status: criteria provided, single submitter. Criteria: ACMG Guidelines, 2015. Collection method: clinical testing. Allele origin: germline. Observed: 3 variant alleles.
Comment: BS1, BP4_moderate

PreventionGenetics, part of Exact Sciences
Classification: Likely benign for CXCR2-related condition. Last evaluated: 2023-11-26. Review status: no assertion criteria provided. Collection method: clinical testing. Allele origin: germline. Not counted in ClinVar's aggregate classification.
Comment: This variant is classified as likely benign based on ACMG/AMP sequence variant interpretation guidelines (Richards et al. 2015 PMID: 25741868, with internal and published modifications).

Literature cited by the submitters: PubMed 24777453 (cited by Mayo Clinic Laboratories, Mayo Clinic).